The following is an entry in ClinVar:

NM_001267550.2(TTN):c.11855G>A (p.Gly3952Glu)

Gene: TTN (titin; minus strand). Cytogenetic location: 2q31.2.
Variant type: single nucleotide variant.
Coding change: c.11855G>A on transcript NM_001267550.2 (MANE Select); coding-DNA position 11855, G replaced by A.
Protein change: p.Gly3952Glu; replaces glycine 3952 with glutamic acid.
Molecular consequence: missense variant. On other transcripts: intron variant (1).
Genome position (GRCh38, 1-based): chr2:178,741,378, C>T on the plus strand (G>A on the coding strand, the complement: TTN is on the minus strand). VCF-style: chr2-178741378-C-T. GRCh37 (hg19) VCF-style: chr2-179606105-C-T.
Other names: p.Gly3635Glu; c.10904G>A, p.Gly3635Glu (NM_001256850.1); c.10766G>A, p.Gly3589Glu (NM_003319.4); c.11141G>A, p.Gly3714Glu (NM_133432.3); c.11342G>A, p.Gly3781Glu (NM_133437.4); c.10361-3018G>A (NM_133378.4); short protein forms G3952E, G3635E, G3714E, G3589E, G3781E.
Identifiers: ClinVar variation 405138 (VCV000405138.7), dbSNP rs779033634, ClinGen allele CA2002797.

ClinVar aggregate classification (germline): Conflicting classifications of pathogenicity. Review status: criteria provided, conflicting classifications (1 of 4 stars). 4 submissions from 4 submitters: Uncertain significance (3); Likely benign (1). Last evaluated 2025-12-18.

Conditions:
TTN-related disorder. Also called: TTN-related disorders; TTN-related condition; TTN-related disease.
Cardiovascular phenotype. Identifiers: MedGen CN230736.
Autosomal recessive limb-girdle muscular dystrophy type 2J (LGMDR10). Also called: Limb-girdle muscular dystrophy, type 2J; MUSCULAR DYSTROPHY, LIMB-GIRDLE, AUTOSOMAL RECESSIVE 10. Identifiers: Orphanet 140922, MedGen C1837342, MONDO:0012127, OMIM 608807.
Dilated cardiomyopathy 1G (CMD1G). Identifiers: Orphanet 154, MedGen C1858763, MONDO:0011400, OMIM 604145.

Allele frequency attached by ClinVar (database versions not stated): gnomAD 0.00004 and 0.00005; TOPMed 0.00005.
gnomAD v4.1: 11 of 1,613,700 alleles (0.00068%); highest among the groups gnomAD compares: African/African-American, 0.013%; no homozygotes.

Submissions (4):

PreventionGenetics, part of Exact Sciences
Classification: Uncertain significance for TTN-related condition. Last evaluated: 2025-12-18. Review status: criteria provided, single submitter. Criteria: ACMG Guidelines, 2015. Collection method: clinical testing. Allele origin: germline.
Comment: The TTN c.11855G>A variant is predicted to result in the amino acid substitution p.Gly3952Glu. To our knowledge, this variant has not been reported in the literature. This variant is reported in 0.019% of alleles in individuals of African descent in gnomAD. At this time, the clinical significance of this variant is uncertain due to the absence of conclusive functional and genetic evidence.

Mayo Clinic Laboratories, Mayo Clinic
Classification: Uncertain significance. Last evaluated: 2023-02-03. Review status: criteria provided, single submitter. Criteria: ACMG Guidelines, 2015. Collection method: clinical testing. Allele origin: germline. Observed: 1 variant allele.
Comment: BP1

Ambry Genetics
Classification: Likely benign for Cardiovascular phenotype. Last evaluated: 2020-05-07. Review status: criteria provided, single submitter. Criteria: Ambry Variant Classification Scheme 2023. Collection method: clinical testing. Allele origin: germline.

Labcorp Genetics (formerly Invitae), Labcorp
Classification: Uncertain significance for Dilated cardiomyopathy 1G; Autosomal recessive limb-girdle muscular dystrophy type 2J. Last evaluated: 2016-11-23. Review status: criteria provided, single submitter. Criteria: Invitae Variant Classification Sherloc (09022015). Collection method: clinical testing. Allele origin: germline.